The following is an entry in ClinVar:

ClinVar aggregate classification (germline): Pathogenic/Likely pathogenic. Review status: criteria provided, multiple submitters, no conflicts (2 of 4 stars). 2 submissions from 2 submitters: Pathogenic (1); Likely pathogenic (1). Last evaluated 2025-09-23.

Conditions:
Congenital myopathy 22A, classic (CMYO22A). Identifiers: MedGen C5830453, MONDO:0957247, OMIM 620351.
Hypokalemic periodic paralysis, type 2 (HOKPP2). Identifiers: Orphanet 681, MedGen C2750061, MONDO:0013234, OMIM 613345.
Hyperkalemic periodic paralysis. Also called: Gamstorp disease; Familial hyperkalemic periodic paralysis. Identifiers: Orphanet 682, MedGen C0238357, MONDO:0008224, OMIM 170500, HP:0007215.
Congenital myopathy 22B, severe fetal (CMYO22B). Identifiers: MedGen C5830501, MONDO:0957265, OMIM 620369.
Congenital myasthenic syndrome 16. Identifiers: Orphanet 590, MedGen C3280112, MONDO:0013620, OMIM 614198.
Potassium-aggravated myotonia. Also called: MYOTONIA CONGENITA, ACETAZOLAMIDE-RESPONSIVE; MYOTONIA CONGENITA, ATYPICAL; SODIUM CHANNEL MUSCLE DISEASE; Myotonia congenita, atypical, acetazolamide-responsive. Identifiers: Orphanet 612, Orphanet 99734, Orphanet 99735, Orphanet 99736, MedGen C2931826, MONDO:0018959, OMIM 608390.
Paramyotonia congenita of Von Eulenburg. Also called: PARALYSIS PERIODICA PARAMYOTONICA; Eulenburg disease; Myotonia congenita intermittens; Von Eulenburg paramyotonia congenita; Paramyotonia Congenita. Identifiers: Orphanet 684, MedGen C0221055, MONDO:0008195, OMIM 168300. Disease mechanism: loss of function.

Submissions (2):

Labcorp Genetics (formerly Invitae), Labcorp
Classification: Pathogenic for Hyperkalemic periodic paralysis. Last evaluated: 2025-09-23. Review status: criteria provided, single submitter. Criteria: Invitae Variant Classification Sherloc (09022015). Collection method: clinical testing. Allele origin: germline.
Comment: This sequence change creates a premature translational stop signal (p.Asn1556Thrfs*96) in the SCN4A gene. While this is not anticipated to result in nonsense mediated decay, it is expected to disrupt the last 281 amino acid(s) of the SCN4A protein. This variant is not present in population databases (gnomAD no frequency). This variant has not been reported in the literature in individuals affected with SCN4A-related conditions. ClinVar contains an entry for this variant (Variation ID: 3582645). This variant disrupts a region of the SCN4A protein in which other variant(s) (p.Tyr1593*) have been determined to be pathogenic (PMID: 26700687). This suggests that this is a clinically significant region of the protein, and that variants that disrupt it are likely to be disease-causing. For these reasons, this variant has been classified as Pathogenic.

Fulgent Genetics
Classification: Likely pathogenic for Paramyotonia congenita of Von Eulenburg; Hyperkalemic periodic paralysis; Potassium-aggravated myotonia; Hypokalemic periodic paralysis, type 2; Congenital myasthenic syndrome 16; Congenital myopathy 22A, classic; Congenital myopathy 22B, severe fetal. Last evaluated: 2024-02-26. Review status: criteria provided, single submitter. Criteria: ACMG Guidelines, 2015. Collection method: clinical testing. Allele origin: germline.

Literature cited by the submitters: PubMed 26700687 (cited by Labcorp Genetics (formerly Invitae), Labcorp).

NM_000334.4(SCN4A):c.4665del (p.Asn1556fs)

Genes: GH-LCR (growth hormone locus control region; plus strand), SCN4A (sodium voltage-gated channel alpha subunit 4; minus strand). Cytogenetic location: 17q23.3.
Variant type: Deletion.
Coding change: c.4665del on transcript NM_000334.4 (MANE Select); coding-DNA position 4665, one base deleted (C; older notation c.4665delC).
Protein change: p.Asn1556fs; shifts the reading frame from asparagine 1556.
Molecular consequence: frameshift variant.
Genome position (GRCh38, 1-based): chr17:63,941,617, G deleted on the plus strand (C on the coding strand, the reverse complement: SCN4A is on the minus strand); the first of 4 consecutive G bases (chr17:63,941,617-63,941,620); deleting any one gives the same sequence. VCF-style (leftmost placement, unchanged base first): chr17-63941616-TG-T. GRCh37 (hg19) VCF-style: chr17-62018976-TG-T.
Other names: short protein forms N1556fs.
Identifiers: ClinVar variation 3582645 (VCV003582645.2).